The following is an entry in ClinVar:

ClinVar aggregate classification (germline): Uncertain significance (1 of 4 stars; one submission).

Conditions:
Mucopolysaccharidosis type 7 (MPS7). Also called: SLY SYNDROME; MPS VII; BETA-GLUCURONIDASE DEFICIENCY; GUSB DEFICIENCY. Identifiers: Orphanet 584, MedGen C0085132, MONDO:0009662, OMIM 253220.

Allele frequency attached by ClinVar (database versions not stated): 1000 Genomes Project 30x 0.00016.
gnomAD v4.1: 19 of 1,611,290 alleles (0.0012%); highest among the groups gnomAD compares: South Asian, 0.016%; 1 homozygote.

Submission:

Labcorp Genetics (formerly Invitae), Labcorp
Classification: Uncertain significance for Mucopolysaccharidosis type 7. Last evaluated: 2022-07-19. Review status: criteria provided, single submitter. Criteria: Invitae Variant Classification Sherloc (09022015). Collection method: clinical testing. Allele origin: germline.
Comment: This sequence change replaces glutamic acid, which is acidic and polar, with aspartic acid, which is acidic and polar, at codon 143 of the GUSB protein (p.Glu143Asp). This variant is present in population databases (rs375740757, gnomAD 0.01%). This variant has not been reported in the literature in individuals affected with GUSB-related conditions. Algorithms developed to predict the effect of missense changes on protein structure and function (SIFT, PolyPhen-2, Align-GVGD) all suggest that this variant is likely to be tolerated. In summary, the available evidence is currently insufficient to determine the role of this variant in disease. Therefore, it has been classified as a Variant of Uncertain Significance.

NM_000181.4(GUSB):c.429G>T (p.Glu143Asp)

Gene: GUSB (glucuronidase beta; minus strand). Cytogenetic location: 7q11.21.
Variant type: single nucleotide variant.
Coding change: c.429G>T on transcript NM_000181.4 (MANE Select); coding-DNA position 429, G replaced by T.
Protein change: p.Glu143Asp; replaces glutamic acid 143 with aspartic acid.
Molecular consequence: missense variant. On other transcripts: non-coding transcript variant (1), intron variant (2).
Genome position (GRCh38, 1-based): chr7:65,979,879, C>A on the plus strand (G>T on the coding strand, the complement: GUSB is on the minus strand). VCF-style: chr7-65979879-C-A. GRCh37 (hg19) VCF-style: chr7-65444866-C-A.
Other names: c.429G>T, p.Glu143Asp (NM_001284290.2); c.67+345G>T (NM_001293105.2); c.12-338G>T (NM_001293104.2); c.429G>T (NM_000181.3); short protein forms E143D.
Identifiers: ClinVar variation 2063472 (VCV002063472.2), dbSNP rs375740757, ClinGen allele CA4276634.